The following is an entry in ClinVar:

NM_002693.3(POLG):c.1022C>T (p.Ala341Val)

Gene: POLG (DNA polymerase gamma, catalytic subunit; minus strand). Cytogenetic location: 15q26.1.
Variant type: single nucleotide variant.
Coding change: c.1022C>T on transcript NM_002693.3 (MANE Select); coding-DNA position 1022, C replaced by T.
Protein change: p.Ala341Val; replaces alanine 341 with valine.
Molecular consequence: missense variant.
Genome position (GRCh38, 1-based): chr15:89,328,944, G>A on the plus strand (C>T on the coding strand, the complement: POLG is on the minus strand). VCF-style: chr15-89328944-G-A. GRCh37 (hg19) VCF-style: chr15-89872175-G-A.
Other names: c.1022C>T, p.Ala341Val (NM_001126131.2); short protein forms A341V.
Identifiers: ClinVar variation 842332 (VCV000842332.10), dbSNP rs746639234, ClinGen allele CA7724982.
Genomic context (GRCh38, chr15:89,328,944, plus strand): 5'-GGGCTGGTGAGAGGGGGTCCCAAGCACTATGCTCCTGCCCACCGGCAGTGTGCTCTCACC[G>A]CTGGGCCTCTTCTGGCTTTCCTCTGGGACTTCTGGCCTTGCTTTGTGGGGGGCTGGACCT-3'
Protein context (NP_002684.1, residues 331-351): KSQRKARRGP[Ala341Val]ISSWDWLDIS

ClinVar aggregate classification (germline): Uncertain significance. Review status: criteria provided, multiple submitters, no conflicts (2 of 4 stars). 3 submissions from 3 submitters: Uncertain significance (2). 1 of the submissions does not count toward it. Last evaluated 2024-08-05.

Conditions:
Progressive sclerosing poliodystrophy (MTDPS4A). Also called: NEURONAL DEGENERATION OF CHILDHOOD WITH LIVER DISEASE, PROGRESSIVE; Alpers Syndrome; Alpers-Huttenlocher Syndrome (AHS); ALPERS PROGRESSIVE INFANTILE POLIODYSTROPHY; Mitochondrial DNA Depletion Syndrome 4A; ALPERS DIFFUSE DEGENERATION OF CEREBRAL GRAY MATTER WITH HEPATIC CIRRHOSIS. Identifiers: Orphanet 726, MedGen C0205710, MONDO:0008758, OMIM 203700.
POLG-related disorder. Also called: POLG-related condition; POLG-Related Disorders; POLG-Related Spectrum Disorders. Identifiers: MedGen C4763519.

Allele frequency attached by ClinVar (database versions not stated): ExAC 0.00001; gnomAD 0.00001; gnomAD exomes 0.00001; TOPMed 0.00001.

Submissions (3):

Labcorp Genetics (formerly Invitae), Labcorp
Classification: Uncertain significance for Progressive sclerosing poliodystrophy. Last evaluated: 2024-08-05. Review status: criteria provided, single submitter. Criteria: Invitae Variant Classification Sherloc (09022015). Collection method: clinical testing. Allele origin: germline.
Comment: This sequence change replaces alanine, which is neutral and non-polar, with valine, which is neutral and non-polar, at codon 341 of the POLG protein (p.Ala341Val). The frequency data for this variant in the population databases is considered unreliable, as metrics indicate poor data quality at this position in the gnomAD database. This variant has not been reported in the literature in individuals affected with POLG-related conditions. ClinVar contains an entry for this variant (Variation ID: 842332). An algorithm developed to predict the effect of missense changes on protein structure and function outputs the following: PolyPhen-2: "Benign". The valine amino acid residue is found in multiple mammalian species, which suggests that this missense change does not adversely affect protein function. In summary, the available evidence is currently insufficient to determine the role of this variant in disease. Therefore, it has been classified as a Variant of Uncertain Significance.

GeneDx
Classification: Uncertain significance. Last evaluated: 2022-08-30. Review status: criteria provided, single submitter. Criteria: GeneDx Variant Classification Process June 2021. Collection method: clinical testing. Allele origin: germline. Affected: yes.
Comment: Not observed at significant frequency in large population cohorts (gnomAD); In silico analysis supports that this missense variant does not alter protein structure/function; Has not been previously published as pathogenic or benign to our knowledge; This variant is associated with the following publications: (PMID: 27535533)

PreventionGenetics, part of Exact Sciences
Classification: Uncertain significance for POLG-related condition. Last evaluated: 2024-08-29. Review status: no assertion criteria provided. Collection method: clinical testing. Allele origin: germline. Not counted in ClinVar's aggregate classification.
Comment: The POLG c.1022C>T variant is predicted to result in the amino acid substitution p.Ala341Val. To our knowledge, this variant has not been reported in the literature in individuals with POLG-related disorders. This variant is reported in 0.0033% of alleles in individuals of South Asian descent in gnomAD. At this time, the clinical significance of this variant is uncertain due to the absence of conclusive functional and genetic evidence.